The following is an entry in ClinVar:

ClinVar aggregate classification (germline): Pathogenic/Likely pathogenic. Review status: criteria provided, multiple submitters, no conflicts (2 of 4 stars). 3 submissions from 3 submitters: Pathogenic (1); Likely pathogenic (2). Last evaluated 2025-11-10.

Conditions:
PGM1-related disorder. Also called: PGM1-related condition; PGM1-related disorders.
PGM1-congenital disorder of glycosylation. Also called: PHOSPHOGLUCOMUTASE 1 DEFICIENCY; PGM1 DEFICIENCY; GLYCOGEN STORAGE DISEASE XIV; GSD XIV; CDG It; Congenital disorder of glycosylation type 1t. Identifiers: Orphanet 319646, MedGen C2752015, MONDO:0013968, OMIM 614921.

Allele frequency attached by ClinVar (database versions not stated): ExAC 0.00002; gnomAD 0.00003; gnomAD exomes 0.00003; TOPMed 0.00005.
gnomAD v4.1: 52 of 1,613,366 alleles (0.0032%); highest among the groups gnomAD compares: Admixed American, 0.0083%; no homozygotes.

Submissions (3):

Labcorp Genetics (formerly Invitae), Labcorp
Classification: Pathogenic for PGM1-congenital disorder of glycosylation. Last evaluated: 2025-11-10. Review status: criteria provided, single submitter. Criteria: Invitae Variant Classification Sherloc (09022015). Collection method: clinical testing. Allele origin: germline.
Comment: This sequence change replaces glycine, which is neutral and non-polar, with arginine, which is basic and polar, at codon 291 of the PGM1 protein (p.Gly291Arg). This variant is present in population databases (rs772768778, gnomAD 0.009%). This missense change has been observed in individual(s) with PGM1-congenital disorder of glycosylation (PMID: 22976764, 24499211, 37181075). ClinVar contains an entry for this variant (Variation ID: 2202765). An algorithm developed to predict the effect of missense changes on protein structure and function (PolyPhen-2) suggests that this variant is likely to be disruptive. Experimental studies have shown that this missense change affects PGM1 function (PMID: 22976764, 25288802). For these reasons, this variant has been classified as Pathogenic.

Blueprint Genetics
Classification: Likely pathogenic for PGM1-related disorders. Last evaluated: 2024-09-09. Review status: criteria provided, single submitter. Criteria: ACMG Guidelines, 2015. Collection method: clinical testing. Allele origin: germline. Affected: yes. Observed: 5 variant alleles.

PreventionGenetics, part of Exact Sciences
Classification: Likely pathogenic for PGM1-related condition. Last evaluated: 2023-06-22. Review status: criteria provided, single submitter. Criteria: ACMG Guidelines, 2015. Collection method: clinical testing. Allele origin: germline.
Comment: The PGM1 c.871G>A variant is predicted to result in the amino acid substitution p.Gly291Arg. This variant was reported in multiple unrelated individuals with PGM1-related congenital disorder of glycosylation (Pérez et al 2013. PubMed ID: 22976764; Tegtmeyer LC et al 2014. PubMed ID: 24499211; Abu Bakar N. et al. 2018. PubMed ID: 30048639) In vitro functional studies demonstrate that this variant has a disruptive effect on PGM1 function (Lee Y et al 2014. PubMed ID: 25288802). This variant is reported in 0.0087% of alleles in individuals of Latino descent in gnomAD. We interpret this variant as likely pathogenic.

Literature cited by the submitters: PubMed 22976764 (cited by Labcorp Genetics (formerly Invitae), Labcorp); PubMed 24499211 (cited by Labcorp Genetics (formerly Invitae), Labcorp); PubMed 37181075 (cited by Labcorp Genetics (formerly Invitae), Labcorp); PubMed 25288802 (cited by Labcorp Genetics (formerly Invitae), Labcorp).

NM_002633.3(PGM1):c.871G>A (p.Gly291Arg)

Gene: PGM1 (phosphoglucomutase 1; plus strand). Cytogenetic location: 1p31.3.
Variant type: single nucleotide variant.
Coding change: c.871G>A on transcript NM_002633.3 (MANE Select); coding-DNA position 871, G replaced by A.
Protein change: p.Gly291Arg; replaces glycine 291 with arginine.
Molecular consequence: missense variant.
Genome position (GRCh38, 1-based): chr1:63,635,017, G>A. VCF-style: chr1-63635017-G-A. GRCh37 (hg19) VCF-style: chr1-64100688-G-A.
Other names: c.925G>A, p.Gly309Arg (NM_001172818.1); c.280G>A, p.Gly94Arg (NM_001172819.2); c.871G>A (NM_002633.2); short protein forms G291R, G309R, G94R.
Identifiers: ClinVar variation 2202765 (VCV002202765.6), dbSNP rs772768778, ClinGen allele CA889639.